The following is an entry in ClinVar:

NM_006254.4(PRKCD):c.-19-37C>T

Gene: PRKCD (protein kinase C delta; plus strand). Cytogenetic location: 3p21.1.
Variant type: single nucleotide variant.
Coding change: c.-19-37C>T on transcript NM_006254.4 (MANE Select); 37 bases into the intron before 19 bases upstream of the start codon, C replaced by T.
Molecular consequence: intron variant.
Genome position (GRCh38, 1-based): chr3:53,178,367, C>T. VCF-style: chr3-53178367-C-T. GRCh37 (hg19) VCF-style: chr3-53212383-C-T.
Other names: c.-19-37C>T (NM_001354680.2, NM_001354679.2, NM_212539.2 and 1 more transcripts); c.39-37C>T (NM_001354676.2); c.30-37C>T (NM_001354678.2).
Identifiers: ClinVar variation 1275121 (VCV001275121.4), dbSNP rs2306570, ClinGen allele CA11443316.

ClinVar aggregate classification (germline): Benign. Review status: criteria provided, multiple submitters, no conflicts (2 of 4 stars). 3 submissions from 3 submitters: Benign (3). Last evaluated 2023-11-12.

Allele frequency attached by ClinVar (database versions not stated): 1000 Genomes Project 30x 0.07558; 1000 Genomes Project 0.07568; TOPMed 0.11203; gnomAD 0.11849 and 0.11897; gnomAD exomes 0.15918.
gnomAD v4.1: 226,804 of 1,468,282 alleles (15%); highest among the groups gnomAD compares: Non-Finnish European, 17%; 19,225 homozygotes.

Submissions (3):

Unidad de Genómica Garrahan, Hospital de Pediatría Garrahan
Classification: Benign. Last evaluated: 2023-11-12. Review status: criteria provided, single submitter. Criteria: ACMG Guidelines, 2015. Collection method: clinical testing. Allele origin: germline. Affected: no. Observed: 22 variant alleles.
Comment: This variant is classified as Benign based on local population frequency. This variant was detected in 23% of patients studied by a panel of primary immunodeficiencies. Number of patients: 22. Only high quality variants are reported.

GeneDx
Classification: Benign. Last evaluated: 2021-05-14. Review status: criteria provided, single submitter. Criteria: GeneDx Variant Classification Process June 2021. Collection method: clinical testing. Allele origin: germline. Affected: yes.

Breakthrough Genomics
Classification: Benign. Review status: criteria provided, single submitter. Criteria: ACMG Guidelines, 2015. Collection method: not provided. Allele origin: germline. Inheritance: Autosomal recessive inheritance. Affected: yes.